The following is an entry in ClinVar:

NM_000492.4(CFTR):c.4421A>T (p.Glu1474Val)

Genes: CFTR (CF transmembrane conductance regulator; plus strand), LOC111674477 (CFTR intron 23 enhancer; plus strand). Cytogenetic location: 7q31.2.
Variant type: single nucleotide variant.
Coding change: c.4421A>T on transcript NM_000492.4 (MANE Select); coding-DNA position 4421, A replaced by T.
Protein change: p.Glu1474Val; replaces glutamic acid 1474 with valine.
Molecular consequence: missense variant.
Genome position (GRCh38, 1-based): chr7:117,667,086, A>T. VCF-style: chr7-117667086-A-T. GRCh37 (hg19) VCF-style: chr7-117307140-A-T.
Other names: short protein forms E1474V.
Identifiers: ClinVar variation 3231922 (VCV003231922.2), dbSNP rs891768901, ClinGen allele CA164961971.
Genomic context (GRCh38, chr7:117,667,086, plus strand): 5'-ACTCAAGCAAGTGCAAGTCTAAGCCCCAGATTGCTGCTCTGAAAGAGGAGACAGAAGAAG[A>T]GGTGCAAGATACAAGGCTTTAGAGAGCAGCATAAATGTTGACATGGGACATTTGCTCATG-3'
Protein context (NP_000483.3, residues 1464-1480): IAALKEETEE[Glu1474Val]VQDTRL

ClinVar aggregate classification (germline): Uncertain significance (1 of 4 stars; one submission).

Conditions:
Cystic fibrosis (CF). Also called: MUCOVISCIDOSIS. Identifiers: Orphanet 586, MedGen C0010674, MONDO:0009061, OMIM 219700. Disease mechanism: loss of function.

Allele frequency attached by ClinVar (database versions not stated): gnomAD exomes below 0.00001.
gnomAD v4.1: 1 of 1,613,980 alleles (0.000062%); highest among the groups gnomAD compares: Non-Finnish European, 0.000085%; no homozygotes.

Submission:

Ambry Genetics
Classification: Uncertain significance for Cystic fibrosis. Last evaluated: 2025-11-02. Review status: criteria provided, single submitter. Criteria: Ambry Variant Classification Scheme 2023. Collection method: clinical testing. Allele origin: germline.
Comment: The p.E1474V variant (also known as c.4421A>T), located in coding exon 27 of the CFTR gene, results from an A to T substitution at nucleotide position 4421. The glutamic acid at codon 1474 is replaced by valine, an amino acid with dissimilar properties. This amino acid position is conserved. In addition, the in silico prediction for this alteration is inconclusive. Since supporting evidence is limited at this time, the clinical significance of this alteration remains unclear.